The following is an entry in ClinVar:

ClinVar aggregate classification (germline): Conflicting classifications of pathogenicity. Review status: criteria provided, conflicting classifications (1 of 4 stars). 2 submissions from 2 submitters: Uncertain significance (1); Likely benign (1). Last evaluated 2024-05-03.

Conditions:
Hereditary cancer-predisposing syndrome. Also called: Neoplastic Syndromes, Hereditary; Tumor predisposition; Hereditary neoplastic syndrome; Hereditary Cancer Syndrome. Identifiers: Orphanet 140162, MedGen C0027672, MeSH D009386, MONDO:0015356.

Allele frequency attached by ClinVar (database versions not stated): gnomAD exomes below 0.00001; ExAC 0.00001.

Submissions (2):

Color Diagnostics, LLC DBA Color Health
Classification: Likely benign for Hereditary cancer-predisposing syndrome. Last evaluated: 2024-05-03. Review status: criteria provided, single submitter. Criteria: ACMG Guidelines, 2015. Collection method: clinical testing. Allele origin: germline.

Ambry Genetics
Classification: Uncertain significance for Hereditary cancer-predisposing syndrome. Last evaluated: 2024-02-28. Review status: criteria provided, single submitter. Criteria: Ambry Variant Classification Scheme 2023. Collection method: clinical testing. Allele origin: germline.
Comment: The c.691-5G>T intronic variant results from a G to T substitution 5 nucleotides upstream from coding exon 9 in the MUTYH gene. This nucleotide position is not well conserved in available vertebrate species. In silico splice site analysis predicts that this alteration will not have any significant effect on splicing. Based on the available evidence, the clinical significance of this alteration remains unclear.

NM_001048174.2(MUTYH):c.607-5G>T

Gene: MUTYH (mutY DNA glycosylase; minus strand). Cytogenetic location: 1p34.1.
Variant type: single nucleotide variant.
Coding change: c.607-5G>T on transcript NM_001048174.2 (MANE Select); 5 bases into the intron before coding-DNA position 607, G replaced by T.
Molecular consequence: intron variant.
Genome position (GRCh38, 1-based): chr1:45,332,493, C>A on the plus strand (G>T on the coding strand, the complement: MUTYH is on the minus strand). VCF-style: chr1-45332493-C-A. GRCh37 (hg19) VCF-style: chr1-45798165-C-A.
Other names: c.607-5G>T (NM_001407072.1, NM_001407073.1, NM_001048171.2 and 6 more transcripts); c.262-5G>T (NM_001350651.2, NM_001350650.2, NM_001407082.1); c.331-5G>T (NM_001293192.2, NM_001293196.2, NM_001407091.1); c.652-5G>T (NM_001293190.2); c.640-5G>T (NM_001407069.1, NM_001407077.1, NM_001293191.2); c.682-5G>T (NM_012222.3); c.691-5G>T (NM_001128425.2); c.610-5G>T (NM_001407071.1, NM_001048172.2, NM_001407078.1 and 1 more transcripts); and 5 more.
Identifiers: ClinVar variation 3233049 (VCV003233049.2), dbSNP rs748330438, ClinGen allele CA058696.